The following is an entry in ClinVar:

ClinVar aggregate classification (germline): Uncertain significance (1 of 4 stars; one submission).

Conditions:
Neutropenia, severe congenital, 1, autosomal dominant. Identifiers: MedGen C1859966, MONDO:0042490, OMIM 202700.
Cyclical neutropenia. Also called: Cyclic hematopoiesis; Cyclic Neutropenia. Identifiers: Orphanet 2686, MedGen C0221023, MONDO:0008090, OMIM 162800, HP:0040289. Disease mechanism: loss of function.

Submission:

Labcorp Genetics (formerly Invitae), Labcorp
Classification: Uncertain significance for Neutropenia, severe congenital, 1, autosomal dominant; Cyclical neutropenia. Last evaluated: 2022-10-31. Review status: criteria provided, single submitter. Criteria: Invitae Variant Classification Sherloc (09022015). Collection method: clinical testing. Allele origin: germline.
Comment: This variant has not been reported in the literature in individuals affected with ELANE-related conditions. In summary, the available evidence is currently insufficient to determine the role of this variant in disease. Therefore, it has been classified as a Variant of Uncertain Significance. Algorithms developed to predict the effect of missense changes on protein structure and function (SIFT, PolyPhen-2, Align-GVGD) all suggest that this variant is likely to be tolerated. This variant is not present in population databases (gnomAD no frequency). This sequence change replaces phenylalanine, which is neutral and non-polar, with leucine, which is neutral and non-polar, at codon 99 of the ELANE protein (p.Phe99Leu).

NM_001972.4(ELANE):c.295T>C (p.Phe99Leu)

Gene: ELANE (elastase, neutrophil expressed; plus strand). Cytogenetic location: 19p13.3.
Variant type: single nucleotide variant.
Coding change: c.295T>C on transcript NM_001972.4 (MANE Select); coding-DNA position 295, T replaced by C.
Protein change: p.Phe99Leu; replaces phenylalanine 99 with leucine.
Molecular consequence: missense variant.
Genome position (GRCh38, 1-based): chr19:853,332, T>C. VCF-style: chr19-853332-T-C. GRCh37 (hg19) VCF-style: chr19-853332-T-C.
Other names: short protein forms F99L.
Identifiers: ClinVar variation 2940214 (VCV002940214.3), dbSNP rs2512165342, ClinGen allele CA402916051.